The following is an entry in ClinVar:

ClinVar aggregate classification (germline): Pathogenic (1 of 4 stars; one submission).

Conditions:
Deafness-lymphedema-leukemia syndrome. Also called: Emberger syndrome; Lymphedema, primary, with myelodysplasia. Identifiers: Orphanet 3226, MedGen C3279664, MONDO:0013540, OMIM 614038.
GATA2 deficiency with susceptibility to MDS/AML. Identifiers: MedGen CN300066, MONDO:0042982.

Submission:

Molecular Pathology Research Laboratory, SA Pathology
Classification: Pathogenic for GATA2 deficiency with susceptibility to MDS/AML; Deafness-lymphedema-leukemia syndrome. Last evaluated: 2021-07-06. Review status: criteria provided, single submitter. Criteria: ACMG Guidelines, 2015. Collection method: curation. Allele origin: unknown. Inheritance: Autosomal dominant inheritance. Affected: yes. Observed: 1 variant allele.
Comment: PVS1, PS4_Supporting, PM2

Literature cited by the submitters: PubMed 28747912.

NM_032638.5(GATA2):c.1132A>T (p.Lys378Ter)

Gene: GATA2 (GATA binding protein 2; minus strand). Cytogenetic location: 3q21.3.
Variant type: single nucleotide variant.
Coding change: c.1132A>T on transcript NM_032638.5 (MANE Select); coding-DNA position 1132, A replaced by T.
Protein change: p.Lys378Ter; replaces lysine 378 with a stop codon.
Molecular consequence: nonsense.
Genome position (GRCh38, 1-based): chr3:128,481,830, T>A on the plus strand (A>T on the coding strand, the complement: GATA2 is on the minus strand). VCF-style: chr3-128481830-T-A. GRCh37 (hg19) VCF-style: chr3-128200673-T-A.
Other names: c.1132A>T, p.Lys378Ter (NM_001145661.2); c.1090A>T, p.Lys364Ter (NM_001145662.1); short protein forms K364*, K378*.
Identifiers: ClinVar variation 1184194 (VCV001184194.1), dbSNP rs2107668584, ClinGen allele CA354413469.